The following is an entry in ClinVar:

ClinVar aggregate classification (germline): Conflicting classifications of pathogenicity. Review status: criteria provided, conflicting classifications (1 of 4 stars). 2 submissions from 2 submitters: Uncertain significance (1); Likely benign (1). Last evaluated 2023-02-01.

Conditions:
Bilateral frontoparietal polymicrogyria. Also called: CORTICAL DYSPLASIA, COMPLEX, WITH OTHER BRAIN MALFORMATIONS 14A (BILATERAL FRONTOPARIETAL); CEREBELLAR ATAXIA WITH NEURONAL MIGRATION DEFECT. Identifiers: Orphanet 101070, MedGen C1847352, MONDO:0011738, OMIM 606854.

Allele frequency attached by ClinVar (database versions not stated): 1000 Genomes Project 0.00200; 1000 Genomes Project 30x 0.00219; TOPMed 0.00457; gnomAD 0.00507 and 0.00517; gnomAD exomes 0.00566.

Submissions (2):

CeGaT Center for Human Genetics Tuebingen
Classification: Likely benign. Last evaluated: 2023-02-01. Review status: criteria provided, single submitter. Criteria: CeGaT Center For Human Genetics Tuebingen Variant Classification Criteria Version 2. Collection method: clinical testing. Allele origin: germline. Affected: yes. Observed: 1 variant allele.
Comment: ADGRG1: BS2

Illumina Laboratory Services, Illumina
Classification: Uncertain significance for Bilateral frontoparietal polymicrogyria. Last evaluated: 2018-01-13. Review status: criteria provided, single submitter. Criteria: ICSL Variant Classification Criteria 13 December 2019. Collection method: clinical testing. Allele origin: germline.

NM_201525.4(ADGRG1):c.*549C>T

Gene: ADGRG1 (adhesion G protein-coupled receptor G1; plus strand). Cytogenetic location: 16q21.
Variant type: single nucleotide variant.
Coding change: c.*549C>T on transcript NM_201525.4 (MANE Select); 549 bases downstream of the stop codon, C replaced by T.
Molecular consequence: 3 prime UTR variant.
Genome position (GRCh38, 1-based): chr16:57,664,131, C>T. VCF-style: chr16-57664131-C-T. GRCh37 (hg19) VCF-style: chr16-57698043-C-T.
Other names: c.*549C>T (NM_001145770.3, NM_001145771.3, NM_001145772.3 and 25 more transcripts).
Identifiers: ClinVar variation 886913 (VCV000886913.28), dbSNP rs74573309, ClinGen allele CA281584242.